The following is an entry in ClinVar:

NM_172107.4(KCNQ2):c.1823C>T (p.Pro608Leu)

Gene: KCNQ2 (potassium voltage-gated channel subfamily Q member 2; minus strand). Cytogenetic location: 20q13.33.
Variant type: single nucleotide variant.
Coding change: c.1823C>T on transcript NM_172107.4 (MANE Select); coding-DNA position 1823, C replaced by T.
Protein change: p.Pro608Leu; replaces proline 608 with leucine.
Molecular consequence: missense variant.
Genome position (GRCh38, 1-based): chr20:63,408,477, G>A on the plus strand (C>T on the coding strand, the complement: KCNQ2 is on the minus strand). VCF-style: chr20-63408477-G-A. GRCh37 (hg19) VCF-style: chr20-62039830-G-A.
Other names: c.1739C>T, p.Pro580Leu (NM_004518.6); c.1769C>T, p.Pro590Leu (NM_172106.3); c.1730C>T, p.Pro577Leu (NM_172108.5); short protein forms P580L, P608L, P590L, P577L.
Identifiers: ClinVar variation 844345 (VCV000844345.8), dbSNP rs140217688, ClinGen allele CA9958237.

ClinVar aggregate classification (germline): Uncertain significance (1 of 4 stars; one submission).

Conditions:
Early-infantile DEE. Also called: Early infantile epileptic encephalopathy; Ohtahara syndrome; Early infantile epileptic encephalopathy with suppression bursts. Identifiers: Orphanet 1934, MedGen C0393706, MONDO:0800491.

Allele frequency attached by ClinVar (database versions not stated): TOPMed 0.00002; ESP Exome Variant Server 0.00008; gnomAD 0.00001; ExAC 0.00002; gnomAD exomes 0.00001.
gnomAD v4.1: 19 of 1,607,542 alleles (0.0012%); highest among the groups gnomAD compares: Admixed American, 0.0034%; no homozygotes.

Submission:

Labcorp Genetics (formerly Invitae), Labcorp
Classification: Uncertain significance for Early-infantile DEE. Last evaluated: 2025-10-01. Review status: criteria provided, single submitter. Criteria: Invitae Variant Classification Sherloc (09022015). Collection method: clinical testing. Allele origin: germline.
Comment: This sequence change replaces proline, which is neutral and non-polar, with leucine, which is neutral and non-polar, at codon 608 of the KCNQ2 protein (p.Pro608Leu). This variant is present in population databases (rs140217688, gnomAD 0.006%). This variant has not been reported in the literature in individuals affected with KCNQ2-related conditions. ClinVar contains an entry for this variant (Variation ID: 844345). Invitae Evidence Modeling of protein sequence and biophysical properties (such as structural, functional, and spatial information, amino acid conservation, physicochemical variation, residue mobility, and thermodynamic stability) indicates that this missense variant is expected to disrupt KCNQ2 protein function with a positive predictive value of 95%. In summary, the available evidence is currently insufficient to determine the role of this variant in disease. Therefore, it has been classified as a Variant of Uncertain Significance.